The following is an entry in ClinVar:

ClinVar aggregate classification (germline): Likely benign. Review status: criteria provided, multiple submitters, no conflicts (2 of 4 stars). 2 submissions from 2 submitters: Likely benign (2). Last evaluated 2023-12-16.

Allele frequency attached by ClinVar (database versions not stated): gnomAD exomes below 0.00001; TOPMed below 0.00001; gnomAD 0.00001.
gnomAD v4.1: 3 of 1,599,110 alleles (0.00019%); highest among the groups gnomAD compares: Non-Finnish European, 0.00026%; no homozygotes.

Submissions (2):

Labcorp Genetics (formerly Invitae), Labcorp
Classification: Likely benign. Last evaluated: 2023-12-16. Review status: criteria provided, single submitter. Criteria: Invitae Variant Classification Sherloc (09022015). Collection method: clinical testing. Allele origin: germline.

GeneDx
Classification: Likely benign. Last evaluated: 2017-01-06. Review status: criteria provided, single submitter. Criteria: GeneDx Variant Classification (06012015). Collection method: clinical testing. Allele origin: germline. Affected: yes.
Comment: This variant is considered likely benign or benign based on one or more of the following criteria: it is a conservative change, it occurs at a poorly conserved position in the protein, it is predicted to be benign by multiple in silico algorithms, and/or has population frequency not consistent with disease.

NM_080680.3(COL11A2):c.1284+15T>C

Gene: COL11A2 (collagen type XI alpha 2 chain; minus strand). Cytogenetic location: 6p21.32.
Variant type: single nucleotide variant.
Coding change: c.1284+15T>C on transcript NM_080680.3 (MANE Select); 15 bases into the intron after coding-DNA position 1284, T replaced by C.
Molecular consequence: intron variant.
Genome position (GRCh38, 1-based): chr6:33,180,653, A>G on the plus strand (T>C on the coding strand, the complement: COL11A2 is on the minus strand). VCF-style: chr6-33180653-A-G. GRCh37 (hg19) VCF-style: chr6-33148430-A-G.
Other names: c.963+15T>C (NM_080679.3); c.1026+15T>C (NM_080681.3).
Identifiers: ClinVar variation 392519 (VCV000392519.4), dbSNP rs1057524527, ClinGen allele CA16605104.
Genomic context (GRCh38, chr6:33,180,653, plus strand): 5'-GGGCATGGTAGCCCCCCGCTTGGATACCACTAGCTCCCCCGAAGCTCCCCCGTCACATGG[A>G]GGACACCCCCTTACCCTCTCTCCAGGGTCTCCAACTGGGCCTGGGTTCCCCTGGATGCCA-3'